The following is an entry in ClinVar:

ClinVar aggregate classification (germline): Likely benign. Review status: criteria provided, single submitter (1 of 4 stars). 2 submissions from 2 submitters: Likely benign (1). 1 of the submissions does not count toward it. Last evaluated 2024-10-24.

gnomAD v4.1: 2 of 1,613,648 alleles (0.00012%); highest among the groups gnomAD compares: African/African-American, 0.0027%; no homozygotes.

Submissions (2):

Blueprint Genetics
Classification: Likely benign. Last evaluated: 2024-10-24. Review status: criteria provided, single submitter. Criteria: ACMG Guidelines, 2015. Collection method: clinical testing. Allele origin: germline.

Human Evolutionary Genetics, Institut Pasteur
No classification provided. Review status: no classification provided. Collection method: not provided. Allele origin: germline. Not counted in ClinVar's aggregate classification.
ClinVar note: Converted during submission from untested to not provided.

NM_001243133.2(NLRP3):c.2493-7A>T

Gene: NLRP3 (NLR family pyrin domain containing 3; plus strand). Cytogenetic location: 1q44.
Variant type: single nucleotide variant.
Coding change: c.2493-7A>T on transcript NM_001243133.2 (MANE Select); 7 bases into the intron before coding-DNA position 2493, A replaced by T.
Molecular consequence: intron variant.
Genome position (GRCh38, 1-based): chr1:247,435,963, A>T. VCF-style: chr1-247435963-A-T. GRCh37 (hg19) VCF-style: chr1-247599265-A-T.
Other names: c.2499-7A>T (NM_004895.5); c.2492+1690A>T (NM_001127461.3); c.2322-7A>T (NM_001127462.3); c.2321+1690A>T (NM_183395.3); c.2493-7A>T (NM_001079821.3).
Identifiers: ClinVar variation 103037 (VCV000103037.3), dbSNP rs199475735, ClinGen allele CA230001.